The following is an entry in ClinVar:

ClinVar aggregate classification (germline): Benign. Review status: criteria provided, multiple submitters, no conflicts (2 of 4 stars). 3 submissions from 3 submitters: Benign (2). 1 of the submissions does not count toward it. Last evaluated 2019-12-31.

Conditions:
MED13-related disorder. Also called: MED13-related condition.

Allele frequency attached by ClinVar (database versions not stated): gnomAD exomes 0.00267 and 0.00641; ExAC 0.00734; ESP Exome Variant Server 0.02103; gnomAD 0.02294 and 0.02487; 1000 Genomes Project 0.02556; TOPMed 0.02567; 1000 Genomes Project 30x 0.02701.
gnomAD v4.1: 7,612 of 1,614,178 alleles (0.47%); highest among the groups gnomAD compares: African/African-American, 8%; 256 homozygotes.

Submissions (3):

Labcorp Genetics (formerly Invitae), Labcorp
Classification: Benign. Last evaluated: 2019-12-31. Review status: criteria provided, single submitter. Criteria: Invitae Variant Classification Sherloc (09022015). Collection method: clinical testing. Allele origin: germline.

Breakthrough Genomics
Classification: Benign. Review status: criteria provided, single submitter. Criteria: ACMG Guidelines, 2015. Collection method: not provided. Allele origin: germline. Inheritance: Autosomal dominant inheritance. Affected: yes.

PreventionGenetics, part of Exact Sciences
Classification: Benign for MED13-related condition. Last evaluated: 2019-04-01. Review status: no assertion criteria provided. Collection method: clinical testing. Allele origin: germline. Not counted in ClinVar's aggregate classification.
Comment: This variant is classified as benign based on ACMG/AMP sequence variant interpretation guidelines (Richards et al. 2015 PMID: 25741868, with internal and published modifications).

NM_005121.3(MED13):c.4776A>G (p.Leu1592=)

Gene: MED13 (mediator complex subunit 13; minus strand). Cytogenetic location: 17q23.2.
Variant type: single nucleotide variant.
Coding change: c.4776A>G on transcript NM_005121.3 (MANE Select); coding-DNA position 4776, A replaced by G.
Protein change: p.Leu1592=; no amino-acid change (leucine 1592 retained).
Molecular consequence: synonymous variant.
Genome position (GRCh38, 1-based): chr17:61,965,074, T>C on the plus strand (A>G on the coding strand, the complement: MED13 is on the minus strand). VCF-style: chr17-61965074-T-C. GRCh37 (hg19) VCF-style: chr17-60042435-T-C.
Identifiers: ClinVar variation 775330 (VCV000775330.7), dbSNP rs9907648, ClinGen allele CA8692349.